The following is an entry in ClinVar:

ClinVar aggregate classification (germline): Uncertain significance (1 of 4 stars; one submission).

gnomAD v4.1: 6 of 1,613,048 alleles (0.00037%); highest among the groups gnomAD compares: African/African-American, 0.0067%; no homozygotes.

Submission:

Women's Health and Genetics/Laboratory Corporation of America, LabCorp
Classification: Uncertain significance. Last evaluated: 2026-02-25. Review status: criteria provided, single submitter. Criteria: LabCorp Variant Classification Summary - May 2015. Collection method: clinical testing. Allele origin: germline.
Comment: Variant summary: VWF c.6586C>T (p.Pro2196Ser) results in a non-conservative amino acid change in the encoded protein sequence. Algorithms developed to predict the effect of missense changes on protein structure and function are either unavailable or do not agree on the potential impact of this missense change. The variant was absent in 248622 control chromosomes. The available data on variant occurrences in the general population are insufficient to allow any conclusion about variant significance. To our knowledge, no occurrence of c.6586C>T in individuals affected with VWF-related conditions and no experimental evidence demonstrating its impact on protein function have been reported. No submitters have cited clinical-significance assessments for this variant to ClinVar. Based on the evidence outlined above, the variant was classified as uncertain significance.

NM_000552.5(VWF):c.6586C>T (p.Pro2196Ser)

Gene: VWF (von Willebrand factor; minus strand). Cytogenetic location: 12p13.31.
Variant type: single nucleotide variant.
Coding change: c.6586C>T on transcript NM_000552.5 (MANE Select); coding-DNA position 6586, C replaced by T.
Protein change: p.Pro2196Ser; replaces proline 2196 with serine.
Molecular consequence: missense variant.
Genome position (GRCh38, 1-based): chr12:5,993,874, G>A on the plus strand (C>T on the coding strand, the complement: VWF is on the minus strand). VCF-style: chr12-5993874-G-A. GRCh37 (hg19) VCF-style: chr12-6103040-G-A.
Other names: short protein forms P2196S.
Identifiers: ClinVar variation 4848038 (VCV004848038.1).